The following is an entry in ClinVar:

ClinVar aggregate classification (germline): Likely pathogenic (1 of 4 stars; one submission).

Allele frequency attached by ClinVar (database versions not stated): gnomAD exomes below 0.00001.
gnomAD v4.1: 4 of 1,612,906 alleles (0.00025%); highest among the groups gnomAD compares: Non-Finnish European, 0.00034%; no homozygotes.

Submission:

Labcorp Genetics (formerly Invitae), Labcorp
Classification: Likely pathogenic. Last evaluated: 2022-06-12. Review status: criteria provided, single submitter. Criteria: Invitae Variant Classification Sherloc (09022015). Collection method: clinical testing. Allele origin: germline.
Comment: In summary, the currently available evidence indicates that the variant is pathogenic, but additional data are needed to prove that conclusively. Therefore, this variant has been classified as Likely Pathogenic. Algorithms developed to predict the effect of sequence changes on RNA splicing suggest that this variant may disrupt the consensus splice site. This variant has not been reported in the literature in individuals affected with RASGRP1-related conditions. This variant is not present in population databases (gnomAD no frequency). This sequence change affects a donor splice site in intron 14 of the RASGRP1 gene. It is expected to disrupt RNA splicing. Variants that disrupt the donor or acceptor splice site typically lead to a loss of protein function (PMID: 16199547), and loss-of-function variants in RASGRP1 are known to be pathogenic (PMID: 11017103, 27776107, 28822832).

Literature cited by the submitters: PubMed 16199547; PubMed 11017103; PubMed 27776107; PubMed 28822832.

NM_005739.4(RASGRP1):c.1720+1G>C

Gene: RASGRP1 (RAS guanyl releasing protein 1; minus strand). Cytogenetic location: 15q14.
Variant type: single nucleotide variant.
Coding change: c.1720+1G>C on transcript NM_005739.4 (MANE Select); the canonical splice donor site of the intron after coding-DNA position 1720, G replaced by C.
Molecular consequence: splice donor variant.
Genome position (GRCh38, 1-based): chr15:38,500,102, C>G on the plus strand (G>C on the coding strand, the complement: RASGRP1 is on the minus strand). VCF-style: chr15-38500102-C-G. GRCh37 (hg19) VCF-style: chr15-38792303-C-G.
Other names: c.1615+1G>C (NM_001306086.2, NM_001128602.2).
Identifiers: ClinVar variation 2005183 (VCV002005183.4), dbSNP rs2542860738, ClinGen allele CA391663446.